The following is an entry in ClinVar:

NM_031844.3(HNRNPU):c.311T>A (p.Met104Lys)

Gene: HNRNPU (heterogeneous nuclear ribonucleoprotein U; minus strand). Cytogenetic location: 1q44.
Variant type: single nucleotide variant.
Coding change: c.311T>A on transcript NM_031844.3 (MANE Select); coding-DNA position 311, T replaced by A.
Protein change: p.Met104Lys; replaces methionine 104 with lysine.
Molecular consequence: missense variant.
Genome position (GRCh38, 1-based): chr1:244,863,997, A>T on the plus strand (T>A on the coding strand, the complement: HNRNPU is on the minus strand). VCF-style: chr1-244863997-A-T. GRCh37 (hg19) VCF-style: chr1-245027299-A-T.
Other names: c.311T>A, p.Met104Lys (NM_004501.3); short protein forms M104K.
Identifiers: ClinVar variation 3715314 (VCV003715314.2).

ClinVar aggregate classification (germline): Uncertain significance (1 of 4 stars; one submission).

Conditions:
Developmental and epileptic encephalopathy, 54. Also called: HNRNPU-Related Neurodevelopmental Disorder; Epileptic encephalopathy, early infantile, 54. Identifiers: MedGen C4479319, MONDO:0033363, OMIM 617391.

Submission:

Labcorp Genetics (formerly Invitae), Labcorp
Classification: Uncertain significance for Developmental and epileptic encephalopathy, 54. Last evaluated: 2024-12-28. Review status: criteria provided, single submitter. Criteria: Invitae Variant Classification Sherloc (09022015). Collection method: clinical testing. Allele origin: germline.
Comment: This sequence change replaces methionine, which is neutral and non-polar, with lysine, which is basic and polar, at codon 104 of the HNRNPU protein (p.Met104Lys). This variant is present in population databases (no rsID available, gnomAD 0.007%). This variant has not been reported in the literature in individuals affected with HNRNPU-related conditions. Invitae Evidence Modeling of protein sequence and biophysical properties (such as structural, functional, and spatial information, amino acid conservation, physicochemical variation, residue mobility, and thermodynamic stability) indicates that this missense variant is not expected to disrupt HNRNPU protein function with a negative predictive value of 95%. In summary, the available evidence is currently insufficient to determine the role of this variant in disease. Therefore, it has been classified as a Variant of Uncertain Significance.